The following is an entry in ClinVar:

NM_152468.5(TMC8):c.376C>T (p.Leu126Phe)

Genes: TMC8 (transmembrane channel like 8; plus strand), LOC130061793 (ATAC-STARR-seq lymphoblastoid silent region 9044; plus strand). Cytogenetic location: 17q25.3.
Variant type: single nucleotide variant.
Coding change: c.376C>T on transcript NM_152468.5 (MANE Select); coding-DNA position 376, C replaced by T.
Protein change: p.Leu126Phe; replaces leucine 126 with phenylalanine.
Molecular consequence: missense variant.
Genome position (GRCh38, 1-based): chr17:78,132,436, C>T. VCF-style: chr17-78132436-C-T. GRCh37 (hg19) VCF-style: chr17-76128517-C-T.
Other names: short protein forms L126F.
Identifiers: ClinVar variation 1900907 (VCV001900907.6), dbSNP rs1226397114, ClinGen allele CA401241829.
Genomic context (GRCh38, chr17:78,132,436, plus strand): 5'-ATTCGGTCCTACTTCACCTTCCTCCGCTTCCTGCTGCTACTCAACCTGCTGAGCCTGCTG[C>T]TCACCGCAAGCTTCGTGCTGCTGCCCCTGGTCTGGCTCCGCCCCCCTGACCCAGGCCCCA-3'
Protein context (NP_689681.2, residues 116-136): LLLLNLLSLL[Leu126Phe]TASFVLLPLV

ClinVar aggregate classification (germline): Uncertain significance. Review status: criteria provided, multiple submitters, no conflicts (2 of 4 stars). 2 submissions from 2 submitters: Uncertain significance (2). Last evaluated 2025-10-01.

Conditions:
Epidermodysplasia verruciformis. Identifiers: Orphanet 302, MedGen C0014522, MONDO:0009176.
Inborn genetic diseases. Identifiers: MedGen C0950123, MeSH D030342.

Allele frequency attached by ClinVar (database versions not stated): gnomAD 0.00001; gnomAD exomes 0.00001; TOPMed 0.00001.
gnomAD v4.1: 4 of 1,612,710 alleles (0.00025%); highest among the groups gnomAD compares: Admixed American, 0.0067%; no homozygotes.

Submissions (2):

Labcorp Genetics (formerly Invitae), Labcorp
Classification: Uncertain significance for Epidermodysplasia verruciformis. Last evaluated: 2025-10-01. Review status: criteria provided, single submitter. Criteria: Invitae Variant Classification Sherloc (09022015). Collection method: clinical testing. Allele origin: germline.
Comment: This sequence change replaces leucine, which is neutral and non-polar, with phenylalanine, which is neutral and non-polar, at codon 126 of the TMC8 protein (p.Leu126Phe). This variant is present in population databases (no rsID available, gnomAD 0.006%). This variant has not been reported in the literature in individuals affected with TMC8-related conditions. ClinVar contains an entry for this variant (Variation ID: 1900907). Invitae Evidence Modeling of protein sequence and biophysical properties (such as structural, functional, and spatial information, amino acid conservation, physicochemical variation, residue mobility, and thermodynamic stability) indicates that this missense variant is not expected to disrupt TMC8 protein function with a negative predictive value of 80%. In summary, the available evidence is currently insufficient to determine the role of this variant in disease. Therefore, it has been classified as a Variant of Uncertain Significance.

Ambry Genetics
Classification: Uncertain significance for Inborn genetic diseases. Last evaluated: 2024-06-25. Review status: criteria provided, single submitter. Criteria: Ambry Variant Classification Scheme 2023. Collection method: clinical testing. Allele origin: germline.